The following is an entry in ClinVar:

ClinVar aggregate classification (germline): Likely benign (1 of 4 stars; one submission).

Submission:

CeGaT Center for Human Genetics Tuebingen
Classification: Likely benign. Last evaluated: 2026-08-01. Review status: criteria provided, single submitter. Criteria: CeGaT Center For Human Genetics Tuebingen Variant Classification Criteria Version 2. Collection method: clinical testing. Allele origin: germline. Affected: yes. Observed: 1 variant allele.
Comment: RBMXL3: BP4, BP7

NM_001145346.2(RBMXL3):c.2115C>A (p.Gly705=)

Genes: LRCH2 (leucine rich repeats and calponin homology domain containing 2; minus strand), RBMXL3 (RBMX like 3; plus strand). Cytogenetic location: Xq23.
Variant type: single nucleotide variant.
Coding change: c.2115C>A on transcript NM_001145346.2 (MANE Select); coding-DNA position 2115, C replaced by A.
Protein change: p.Gly705=; no amino-acid change (glycine 705 retained).
Molecular consequence: synonymous variant. On other transcripts: intron variant (2).
Genome position (GRCh38, 1-based): chrX:115,191,556, C>A. VCF-style: chrX-115191556-C-A. GRCh37 (hg19) VCF-style: chrX-114426119-C-A.
Other names: c.350-3186G>T (NM_001243963.2, NM_020871.4).
Identifiers: ClinVar variation 5038495 (VCV005038495.1).